The following is an entry in ClinVar:

NM_001292063.2(OTOG):c.6037C>T (p.Arg2013Cys)

Gene: OTOG (otogelin; plus strand). Cytogenetic location: 11p15.1.
Variant type: single nucleotide variant.
Coding change: c.6037C>T on transcript NM_001292063.2 (MANE Select); coding-DNA position 6037, C replaced by T.
Protein change: p.Arg2013Cys; replaces arginine 2013 with cysteine.
Molecular consequence: missense variant.
Genome position (GRCh38, 1-based): chr11:17,611,337, C>T. VCF-style: chr11-17611337-C-T. GRCh37 (hg19) VCF-style: chr11-17632884-C-T.
Other names: c.6073C>T, p.Arg2025Cys (NM_001277269.2); short protein forms R2025C, R2013C.
Identifiers: ClinVar variation 505205 (VCV000505205.5), dbSNP rs757086717, ClinGen allele CA5905977.

ClinVar aggregate classification (germline): Uncertain significance (1 of 4 stars; one submission).

Allele frequency attached by ClinVar (database versions not stated): gnomAD exomes 0.00002 and 0.00005; gnomAD 0.00003; TOPMed 0.00003; ExAC 0.00006.
gnomAD v4.1: 31 of 1,550,316 alleles (0.002%); highest among the groups gnomAD compares: East Asian, 0.015%; no homozygotes.

Submission:

Laboratory for Molecular Medicine, Mass General Brigham Personalized Medicine
Classification: Uncertain significance. Last evaluated: 2016-07-05. Review status: criteria provided, single submitter. Criteria: LMM Criteria. Collection method: clinical testing. Allele origin: germline. Observed: 1 variant allele.
Comment: The p.Arg2025Cys variant in OTOG has not been previously reported in individuals with hearing loss. This variant has been identified in 1/7438 South Asian chrom osomes by the Exome Aggregation Consortium (ExAC ; dbSNP rs757086717). Although this variant has been seen in the general populat ion, its frequency is not high enough to rule out a pathogenic role. Computation al prediction tools and conservation analyses do not provide strong support for or against an impact to the protein. In summary, the clinical significance of th e p.Arg2025Cys variant is uncertain.